The following is an entry in ClinVar:

NM_018117.12(WDR11):c.739T>G (p.Cys247Gly)

Gene: WDR11 (WD repeat domain 11; plus strand). Cytogenetic location: 10q26.12.
Variant type: single nucleotide variant.
Coding change: c.739T>G on transcript NM_018117.12 (MANE Select); coding-DNA position 739, T replaced by G.
Protein change: p.Cys247Gly; replaces cysteine 247 with glycine.
Molecular consequence: missense variant.
Genome position (GRCh38, 1-based): chr10:120,865,072, T>G. VCF-style: chr10-120865072-T-G. GRCh37 (hg19) VCF-style: chr10-122624584-T-G.
Other names: short protein forms C247G.
Identifiers: ClinVar variation 2970674 (VCV002970674.3), dbSNP rs2493265423, ClinGen allele CA378322137.

ClinVar aggregate classification (germline): Uncertain significance (1 of 4 stars; one submission).

Allele frequency attached by ClinVar (database versions not stated): gnomAD exomes below 0.00001.
gnomAD v4.1: 1 of 1,613,980 alleles (0.000062%); highest among the groups gnomAD compares: Admixed American, 0.0017%; no homozygotes.

Submission:

Labcorp Genetics (formerly Invitae), Labcorp
Classification: Uncertain significance. Last evaluated: 2024-01-08. Review status: criteria provided, single submitter. Criteria: Invitae Variant Classification Sherloc (09022015). Collection method: clinical testing. Allele origin: germline.
Comment: This sequence change replaces cysteine, which is neutral and slightly polar, with glycine, which is neutral and non-polar, at codon 247 of the WDR11 protein (p.Cys247Gly). This variant is not present in population databases (gnomAD no frequency). This variant has not been reported in the literature in individuals affected with WDR11-related conditions. An algorithm developed to predict the effect of missense changes on protein structure and function (PolyPhen-2) suggests that this variant is likely to be disruptive. In summary, the available evidence is currently insufficient to determine the role of this variant in disease. Therefore, it has been classified as a Variant of Uncertain Significance.